The following is an entry in ClinVar:

ClinVar aggregate classification (germline): Uncertain significance (1 of 4 stars; one submission).

Conditions:
Xeroderma pigmentosum, group F (XPF). Also called: ERCC4-Related Xeroderma Pigmentosum; XERODERMA PIGMENTOSUM, COMPLEMENTATION GROUP F; XERODERMA PIGMENTOSUM, TYPE F; Xeroderma pigmentosum, type 6; XERODERMA PIGMENTOSUM VI; XP, GROUP F. Identifiers: MedGen C0268140, MONDO:0010215, OMIM 278760.
Cockayne syndrome. Identifiers: Orphanet 191, MedGen C0009207, MONDO:0016006.
Fanconi anemia complementation group Q. Identifiers: Orphanet 84, MedGen C3808988, MONDO:0014108, OMIM 615272.

gnomAD v4.1: 2 of 1,613,456 alleles (0.00012%); highest among the groups gnomAD compares: Middle Eastern, 0.033%; no homozygotes.

Submission:

Labcorp Genetics (formerly Invitae), Labcorp
Classification: Uncertain significance for Fanconi anemia complementation group Q; Xeroderma pigmentosum, group F; Cockayne syndrome. Last evaluated: 2025-12-22. Review status: criteria provided, single submitter. Criteria: Invitae Variant Classification Sherloc (09022015). Collection method: clinical testing. Allele origin: germline.
Comment: This sequence change replaces serine, which is neutral and polar, with cysteine, which is neutral and slightly polar, at codon 253 of the ERCC4 protein (p.Ser253Cys). This variant is not present in population databases (gnomAD no frequency). This variant has not been reported in the literature in individuals affected with ERCC4-related conditions. Invitae Evidence Modeling of protein sequence and biophysical properties (such as structural, functional, and spatial information, amino acid conservation, physicochemical variation, residue mobility, and thermodynamic stability) indicates that this missense variant is expected to disrupt ERCC4 protein function with a positive predictive value of 80%. In summary, the available evidence is currently insufficient to determine the role of this variant in disease. Therefore, it has been classified as a Variant of Uncertain Significance.

NM_005236.3(ERCC4):c.758C>G (p.Ser253Cys)

Gene: ERCC4 (ERCC excision repair 4, endonuclease catalytic subunit; plus strand). Cytogenetic location: 16p13.12.
Variant type: single nucleotide variant.
Coding change: c.758C>G on transcript NM_005236.3 (MANE Select); coding-DNA position 758, C replaced by G.
Protein change: p.Ser253Cys; replaces serine 253 with cysteine.
Molecular consequence: missense variant.
Genome position (GRCh38, 1-based): chr16:13,928,201, C>G. VCF-style: chr16-13928201-C-G. GRCh37 (hg19) VCF-style: chr16-14022058-C-G.
Other names: short protein forms S253C.
Identifiers: ClinVar variation 4782869 (VCV004782869.1).